The following is an entry in ClinVar:

NM_001101426.4(CRPPA):c.262T>C (p.Cys88Arg)

Gene: CRPPA (CDP-L-ribitol pyrophosphorylase A; minus strand). Cytogenetic location: 7p21.2.
Variant type: single nucleotide variant.
Coding change: c.262T>C on transcript NM_001101426.4 (MANE Select); coding-DNA position 262, T replaced by C.
Protein change: p.Cys88Arg; replaces cysteine 88 with arginine.
Molecular consequence: missense variant. On other transcripts: non-coding transcript variant (1).
Genome position (GRCh38, 1-based): chr7:16,406,333, A>G on the plus strand (T>C on the coding strand, the complement: CRPPA is on the minus strand). VCF-style: chr7-16406333-A-G. GRCh37 (hg19) VCF-style: chr7-16445958-A-G.
Other names: c.262T>C, p.Cys88Arg (NM_001101417.4, NM_001368197.1); short protein forms C88R.
Identifiers: ClinVar variation 849325 (VCV000849325.10), dbSNP rs1384501487, ClinGen allele CA367002982.
Genomic context (GRCh38, chr7:16,406,333, plus strand): 5'-TACTTTTCATTACTTCCATGTTCTCTCCAGTTACTGCCACAACAATGTCCTTTATCCAAC[A>G]TACTCTAAAAGGAAAGTATATGTACAATTCGTAAATTAATTCTTAGACAACTAAAGTGAG-3'
Protein context (NP_001094896.1, residues 78-98): SYTLQALERV[Cys88Arg]WIKDIVVAVT

ClinVar aggregate classification (germline): Uncertain significance (1 of 4 stars; one submission).

Conditions:
Muscular dystrophy-dystroglycanopathy (congenital with brain and eye anomalies), type A, 7. Also called: Congenital muscular dystrophy-dystroglycanopathy with brain and eye anomalies, type A7; WALKER-WARBURG SYNDROME OR MUSCLE-EYE-BRAIN DISEASE, ISPD-RELATED. Identifiers: Orphanet 899, MedGen C3553330, MONDO:0013835, OMIM 614643.
Autosomal recessive limb-girdle muscular dystrophy type 2U. Also called: Muscular dystrophy-dystroglycanopathy (limb-girdle), type c, 7; MUSCULAR DYSTROPHY, LIMB-GIRDLE, TYPE 2U. Identifiers: Orphanet 352479, MedGen C5190987, MONDO:0014474, OMIM 616052.

Allele frequency attached by ClinVar (database versions not stated): TOPMed 0.00001.
gnomAD v4.1: 1 of 1,612,224 alleles (0.000062%); highest among the groups gnomAD compares: Non-Finnish European, 0.000085%; no homozygotes.

Submission:

Labcorp Genetics (formerly Invitae), Labcorp
Classification: Uncertain significance for Muscular dystrophy-dystroglycanopathy (congenital with brain and eye anomalies), type A, 7; Autosomal recessive limb-girdle muscular dystrophy type 2U. Last evaluated: 2023-08-10. Review status: criteria provided, single submitter. Criteria: Invitae Variant Classification Sherloc (09022015). Collection method: clinical testing. Allele origin: germline.
Comment: In summary, the available evidence is currently insufficient to determine the role of this variant in disease. Therefore, it has been classified as a Variant of Uncertain Significance. Advanced modeling of protein sequence and biophysical properties (such as structural, functional, and spatial information, amino acid conservation, physicochemical variation, residue mobility, and thermodynamic stability) performed at Invitae indicates that this missense variant is not expected to disrupt ISPD protein function. ClinVar contains an entry for this variant (Variation ID: 849325). This variant has not been reported in the literature in individuals affected with ISPD-related conditions. This variant is not present in population databases (gnomAD no frequency). This sequence change replaces cysteine, which is neutral and slightly polar, with arginine, which is basic and polar, at codon 88 of the ISPD protein (p.Cys88Arg).